The following is an entry in ClinVar:

NM_206933.4(USH2A):c.264C>G (p.Cys88Trp)

Gene: USH2A (usherin; minus strand). Cytogenetic location: 1q41.
Variant type: single nucleotide variant.
Coding change: c.264C>G on transcript NM_206933.4 (MANE Select); coding-DNA position 264, C replaced by G.
Protein change: p.Cys88Trp; replaces cysteine 88 with tryptophan.
Molecular consequence: missense variant.
Genome position (GRCh38, 1-based): chr1:216,422,073, G>C on the plus strand (C>G on the coding strand, the complement: USH2A is on the minus strand). VCF-style: chr1-216422073-G-C. GRCh37 (hg19) VCF-style: chr1-216595415-G-C.
Other names: c.264C>G, p.Cys88Trp (NM_007123.6); short protein forms C88W.
Identifiers: ClinVar variation 48489 (VCV000048489.22), dbSNP rs368798834, ClinGen allele CA143444.

ClinVar aggregate classification (germline): Conflicting classifications of pathogenicity. Review status: criteria provided, conflicting classifications (1 of 4 stars). 8 submissions from 8 submitters: Pathogenic (3); Likely pathogenic (1); Uncertain significance (3). 1 of the submissions does not count toward it. Last evaluated 2026-06-12.

Conditions:
USH2A-related disorder. Also called: USH2A-related disorders; USH2A-related condition. Identifiers: MedGen CN239332.
Usher syndrome type 2A. Also called: RETINAL DISEASE IN USHER SYNDROME TYPE IIA, MODIFIER OF; USHER SYNDROME, TYPE IIA. Identifiers: Orphanet 231178, Orphanet 886, MedGen C1848634, MONDO:0010169, OMIM 276901.
Retinitis pigmentosa 39 (RP39). Identifiers: Orphanet 791, MedGen C3151138, MONDO:0013436, OMIM 613809.

Allele frequency attached by ClinVar (database versions not stated): ExAC 0.00001; TOPMed 0.00002; ESP Exome Variant Server 0.00008.
gnomAD v4.1: 24 of 1,613,638 alleles (0.0015%); highest among the groups gnomAD compares: Non-Finnish European, 0.0019%; no homozygotes.

Submissions (8):

PreventionGenetics, part of Exact Sciences
Classification: Likely pathogenic for USH2A-related condition. Last evaluated: 2026-06-12. Review status: criteria provided, single submitter. Criteria: ACMG Guidelines, 2015. Collection method: clinical testing. Allele origin: germline.
Comment: The USH2A c.264C>G variant is predicted to result in the amino acid substitution p.Cys88Trp. This variant was reported, in the heterozygous state along with a second known or potentially causative variant, in individuals with retinitis pigmentosa (Stone et al. 2017. PubMed ID: 28559085; supplementary data, Lin et al. 2024. PubMed ID: 38219857). Internally, we have detected this variant, along with a second causative variant, in affected individuals (PreventionGenetics, internal data). This variant is reported in 0.0026% of alleles in individuals of European (Non-Finnish) descent in gnomAD. Taken together, we classify this variant as likely pathogenic.

Labcorp Genetics (formerly Invitae), Labcorp
Classification: Pathogenic. Last evaluated: 2025-12-30. Review status: criteria provided, single submitter. Criteria: Invitae Variant Classification Sherloc (09022015). Collection method: clinical testing. Allele origin: germline.
Comment: This sequence change replaces cysteine, which is neutral and slightly polar, with tryptophan, which is neutral and slightly polar, at codon 88 of the USH2A protein (p.Cys88Trp). This variant is present in population databases (rs368798834, gnomAD 0.003%). This missense change has been observed in individuals with USH2A-related conditions (PMID: 28559085; internal data). ClinVar contains an entry for this variant (Variation ID: 48489). Invitae Evidence Modeling of protein sequence and biophysical properties (such as structural, functional, and spatial information, amino acid conservation, physicochemical variation, residue mobility, and thermodynamic stability) indicates that this missense variant is not expected to disrupt USH2A protein function with a negative predictive value of 95%. This variant disrupts the p.Cys88 amino acid residue in USH2A. Other variant(s) that disrupt this residue have been determined to be pathogenic (internal data). This suggests that this residue is clinically significant, and that variants that disrupt this residue are likely to be disease-causing. For these reasons, this variant has been classified as Pathogenic.

GeneDx
Classification: Pathogenic. Last evaluated: 2023-11-22. Review status: criteria provided, single submitter. Criteria: GeneDx Variant Classification Process June 2021. Collection method: clinical testing. Allele origin: germline. Affected: yes.
Comment: Not observed at significant frequency in large population cohorts (gnomAD); In silico analysis supports that this missense variant has a deleterious effect on protein structure/function; This variant is associated with the following publications: (PMID: 28559085)

Women's Health and Genetics/Laboratory Corporation of America, LabCorp
Classification: Uncertain significance. Last evaluated: 2023-08-07. Review status: criteria provided, single submitter. Criteria: LabCorp Variant Classification Summary - May 2015. Collection method: clinical testing. Allele origin: germline.
Comment: Variant summary: USH2A c.264C>G (p.Cys88Trp) results in a non-conservative amino acid change in the encoded protein sequence. Four of five in-silico tools predict a damaging effect of the variant on protein function. The variant allele was found at a frequency of 1.2e-05 in 250824 control chromosomes (gnomAD). The available data on variant occurrences in the general population are insufficient to allow any conclusion about variant significance. c.264C>G has been reported in the literature in an individual affected with Usher Syndrome (Stone_2017). These data do not allow any conclusion about variant significance. To our knowledge, no experimental evidence demonstrating an impact on protein function has been reported. The following publication has been ascertained in the context of this evaluation (PMID: 28559085). Five submitters have cited clinical-significance assessments for this variant to ClinVar after 2014, and classified it as uncertain significance (n=3) or likely pathogenic (n=2). Based on the evidence outlined above, the variant was classified as uncertain significance.

Blueprint Genetics
Classification: Pathogenic for USH2A-related disorders. Last evaluated: 2022-05-17. Review status: criteria provided, single submitter. Criteria: ACMG Guidelines, 2015. Collection method: clinical testing. Allele origin: germline. Affected: yes. Observed: 5 variant alleles.

Ocular Genomics Institute, Massachusetts Eye and Ear
Classification: Uncertain significance for Retinitis pigmentosa 39. Last evaluated: 2021-04-08. Review status: criteria provided, single submitter. Criteria: ACMG Guidelines, 2015. Collection method: research. Allele origin: germline. Affected: yes.
Comment: Through a review of available evidence we were able to apply the following criteria: PM2. Based on this evidence we have classified this variant as Variant of Uncertain Significance.

Laboratory for Molecular Medicine, Mass General Brigham Personalized Medicine
Classification: Uncertain significance. Last evaluated: 2010-04-01. Review status: criteria provided, single submitter. Criteria: LMM Criteria. Collection method: clinical testing. Allele origin: germline. Observed: 1 variant allele.

Counsyl
Classification: Uncertain significance for Usher syndrome type 2A; Retinitis pigmentosa 39. Last evaluated: 2017-05-15. Review status: no assertion criteria provided. Collection method: clinical testing. Allele origin: unknown. Not counted in ClinVar's aggregate classification.

Literature cited by the submitters: PubMed 28559085 (cited by Labcorp Genetics (formerly Invitae), Labcorp and Women's Health and Genetics/Laboratory Corporation of America, LabCorp).